The following is an entry in ClinVar:

ClinVar aggregate classification (germline): Uncertain significance. Review status: criteria provided, multiple submitters, no conflicts (2 of 4 stars). 2 submissions from 2 submitters: Uncertain significance (2). Last evaluated 2025-08-05.

Conditions:
Tuberous sclerosis 2 (TSC2). Identifiers: Orphanet 805, MedGen C1860707, MONDO:0013199, OMIM 613254.
Hereditary cancer-predisposing syndrome. Also called: Hereditary Cancer Syndrome; Hereditary neoplastic syndrome; Tumor predisposition; Neoplastic Syndromes, Hereditary. Identifiers: Orphanet 140162, MedGen C0027672, MeSH D009386, MONDO:0015356.

Submissions (2):

Labcorp Genetics (formerly Invitae), Labcorp
Classification: Uncertain significance for Tuberous sclerosis 2. Last evaluated: 2025-08-05. Review status: criteria provided, single submitter. Criteria: Invitae Variant Classification Sherloc (09022015). Collection method: clinical testing. Allele origin: germline.
Comment: This sequence change replaces asparagine, which is neutral and polar, with aspartic acid, which is acidic and polar, at codon 56 of the TSC2 protein (p.Asn56Asp). This variant is not present in population databases (gnomAD no frequency). This variant has not been reported in the literature in individuals affected with TSC2-related conditions. ClinVar contains an entry for this variant (Variation ID: 3811334). Invitae Evidence Modeling of protein sequence and biophysical properties (such as structural, functional, and spatial information, amino acid conservation, physicochemical variation, residue mobility, and thermodynamic stability) indicates that this missense variant is not expected to disrupt TSC2 protein function with a negative predictive value of 95%. In summary, the available evidence is currently insufficient to determine the role of this variant in disease. Therefore, it has been classified as a Variant of Uncertain Significance.

Ambry Genetics
Classification: Uncertain significance for Hereditary cancer-predisposing syndrome. Last evaluated: 2025-01-10. Review status: criteria provided, single submitter. Criteria: Ambry Variant Classification Scheme 2023. Collection method: clinical testing. Allele origin: germline.
Comment: The p.N56D variant (also known as c.166A>G), located in coding exon 2 of the TSC2 gene, results from an A to G substitution at nucleotide position 166. The asparagine at codon 56 is replaced by aspartic acid, an amino acid with highly similar properties. This amino acid position is conserved. In addition, the in silico prediction for this alteration is inconclusive. Based on the available evidence, the clinical significance of this variant remains unclear.

NM_000548.5(TSC2):c.166A>G (p.Asn56Asp)

Gene: TSC2 (TSC complex subunit 2; plus strand). Cytogenetic location: 16p13.3.
Variant type: single nucleotide variant.
Coding change: c.166A>G on transcript NM_000548.5 (MANE Select); coding-DNA position 166, A replaced by G.
Protein change: p.Asn56Asp; replaces asparagine 56 with aspartic acid.
Molecular consequence: missense variant. On other transcripts: 5 prime UTR variant (20), non-coding transcript variant (5).
Genome position (GRCh38, 1-based): chr16:2,050,427, A>G. VCF-style: chr16-2050427-A-G. GRCh37 (hg19) VCF-style: chr16-2100428-A-G.
Other names: c.166A>G, p.Asn56Asp (NM_001077183.3, NM_001114382.3, NM_001318827.2 and 13 more transcripts); c.19A>G, p.Asn7Asp (NM_001318829.2, NM_001406675.1, NM_001406676.1 and 2 more transcripts); c.-61A>G (NM_001318831.2, NM_001406682.1, NM_001406684.1 and 3 more transcripts); c.199A>G, p.Asn67Asp (NM_001318832.2); c.-651A>G (NM_001406680.1, NM_001406683.1, NM_001406687.1); c.-280A>G (NM_001406681.1); c.-1266A>G (NM_001406689.1, NM_001406690.1, NM_001406691.1 and 2 more transcripts); c.-1572A>G (NM_001406693.1); and 3 more; short protein forms N56D, N67D, N7D.
Identifiers: ClinVar variation 3811334 (VCV003811334.2).